The following is an entry in ClinVar:

ClinVar aggregate classification (germline): Uncertain significance (1 of 4 stars; one submission).

Conditions:
Ataxia-telangiectasia syndrome (AT). Also called: Ataxia-telangiectasia, complementation group E; Ataxia-telangiectasia; ATAXIA-TELANGIECTASIA, COMPLEMENTATION GROUP A; Ataxia-telangiectasia, complementation group D; Ataxia telangiectasia (A-T); LOUIS-BAR SYNDROME. Identifiers: Orphanet 100, MedGen C0004135, MONDO:0008840, OMIM 208900.

Submission:

Labcorp Genetics (formerly Invitae), Labcorp
Classification: Uncertain significance for Ataxia-telangiectasia syndrome. Last evaluated: 2024-08-17. Review status: criteria provided, single submitter. Criteria: Invitae Variant Classification Sherloc (09022015). Collection method: clinical testing. Allele origin: germline.
Comment: This sequence change replaces glutamic acid, which is acidic and polar, with lysine, which is basic and polar, at codon 22 of the ATM protein (p.Glu22Lys). This variant is not present in population databases (gnomAD no frequency). This variant has not been reported in the literature in individuals affected with ATM-related conditions. ClinVar contains an entry for this variant (Variation ID: 2002177). Invitae Evidence Modeling of protein sequence and biophysical properties (such as structural, functional, and spatial information, amino acid conservation, physicochemical variation, residue mobility, and thermodynamic stability) indicates that this missense variant is not expected to disrupt ATM protein function with a negative predictive value of 95%. In summary, the available evidence is currently insufficient to determine the role of this variant in disease. Therefore, it has been classified as a Variant of Uncertain Significance.

NM_000051.4(ATM):c.64G>A (p.Glu22Lys)

Gene: ATM (ATM serine/threonine kinase; plus strand). Cytogenetic location: 11q22.3.
Variant type: single nucleotide variant.
Coding change: c.64G>A on transcript NM_000051.4 (MANE Select); coding-DNA position 64, G replaced by A.
Protein change: p.Glu22Lys; replaces glutamic acid 22 with lysine.
Molecular consequence: missense variant.
Genome position (GRCh38, 1-based): chr11:108,227,688, G>A. VCF-style: chr11-108227688-G-A. GRCh37 (hg19) VCF-style: chr11-108098415-G-A.
Other names: c.64G>A, p.Glu22Lys (NM_001351834.2, NM_001351835.2, NM_001351836.2); short protein forms E22K.
Identifiers: ClinVar variation 2002177 (VCV002002177.4), dbSNP rs2078810264, ClinGen allele CA382519343.
Genomic context (GRCh38, chr11:108,227,688, plus strand): 5'-AGTCTAGTACTTAATGATCTGCTTATCTGCTGCCGTCAACTAGAACATGATAGAGCTACA[G>A]AACGAAAGGTAGTAAATTACTTAAATTCAATTTTTCCTTGAAATAAGTGTGATTAGTAAC-3'
Protein context (NP_000042.3, residues 12-32): CRQLEHDRAT[Glu22Lys]RKKEVEKFKR